The following is an entry in ClinVar:

NM_017999.5(RNF31):c.881C>T (p.Ser294Phe)

Gene: RNF31 (ring finger protein 31; plus strand). Cytogenetic location: 14q12.
Variant type: single nucleotide variant.
Coding change: c.881C>T on transcript NM_017999.5 (MANE Select); coding-DNA position 881, C replaced by T.
Protein change: p.Ser294Phe; replaces serine 294 with phenylalanine.
Molecular consequence: missense variant.
Genome position (GRCh38, 1-based): chr14:24,150,132, C>T. VCF-style: chr14-24150132-C-T. GRCh37 (hg19) VCF-style: chr14-24619341-C-T.
Other names: c.428C>T, p.Ser143Phe (NM_001310332.2); short protein forms S294F, S143F.
Identifiers: ClinVar variation 3647702 (VCV003647702.2).
Genomic context (GRCh38, chr14:24,150,132, plus strand): 5'-CAGCCCAACCACGGCCCCAGTCGACCTCCCTGCTGGCCCTGGGAGACAGCTCTCTTTCTT[C>T]CCCTAATCCTGCAAGTGCTCATTTGCCCTGGCACTGTGCTGCCTGTGCCATGCTAAATGA-3'
Protein context (NP_060469.4, residues 284-304): LLALGDSSLS[Ser294Phe]PNPASAHLPW

ClinVar aggregate classification (germline): Uncertain significance (1 of 4 stars; one submission).

gnomAD v4.1: 4 of 1,611,652 alleles (0.00025%); highest among the groups gnomAD compares: Non-Finnish European, 0.00034%; no homozygotes.

Submission:

Labcorp Genetics (formerly Invitae), Labcorp
Classification: Uncertain significance. Last evaluated: 2024-07-02. Review status: criteria provided, single submitter. Criteria: Invitae Variant Classification Sherloc (09022015). Collection method: clinical testing. Allele origin: germline.
Comment: This sequence change replaces serine, which is neutral and polar, with phenylalanine, which is neutral and non-polar, at codon 294 of the RNF31 protein (p.Ser294Phe). This variant is present in population databases (rs760978483, gnomAD 0.0009%). This variant has not been reported in the literature in individuals affected with RNF31-related conditions. An algorithm developed to predict the effect of missense changes on protein structure and function (PolyPhen-2) suggests that this variant is likely to be tolerated. In summary, the available evidence is currently insufficient to determine the role of this variant in disease. Therefore, it has been classified as a Variant of Uncertain Significance.